The following is an entry in ClinVar:

NM_002529.4(NTRK1):c.2028C>T (p.Tyr676=)

Gene: NTRK1 (neurotrophic receptor tyrosine kinase 1; plus strand). Cytogenetic location: 1q23.1.
Variant type: single nucleotide variant.
Coding change: c.2028C>T on transcript NM_002529.4 (MANE Select); coding-DNA position 2028, C replaced by T.
Protein change: p.Tyr676=; no amino-acid change (tyrosine 676 retained).
Molecular consequence: synonymous variant.
Genome position (GRCh38, 1-based): chr1:156,879,344, C>T. VCF-style: chr1-156879344-C-T. GRCh37 (hg19) VCF-style: chr1-156849136-C-T.
Other names: c.1920C>T, p.Tyr640= (NM_001007792.1); c.2010C>T, p.Tyr670= (NM_001012331.2).
Identifiers: ClinVar variation 706327 (VCV000706327.8), dbSNP rs1052882544, ClinGen allele CA31123502.
Genomic context (GRCh38, chr1:156,879,344, plus strand): 5'-TCTAGTGGGCCAGGGACTGGTGGTCAAGATTGGTGATTTTGGCATGAGCAGGGATATCTA[C>T]AGCACCGACTATTACCGTGTAAGGGTCCTTTGTCCCCAACGCCTTCCCCTGCATCCAAAC-3'
Protein context (NP_002520.2, residues 666-686): IGDFGMSRDI[Tyr676=]STDYYRVGGR

ClinVar aggregate classification (germline): Conflicting classifications of pathogenicity. Review status: criteria provided, conflicting classifications (1 of 4 stars). 2 submissions from 2 submitters: Uncertain significance (1); Likely benign (1). Last evaluated 2025-06-24.

Conditions:
Hereditary insensitivity to pain with anhidrosis (CIPA). Also called: hereditary sensory and autonomic neuropathy type 4; HSAN Type IV; NTRK1 Congenital Insensitivity to Pain with Anhidrosis; FAMILIAL DYSAUTONOMIA, TYPE II; INSENSITIVITY TO PAIN, CONGENITAL, WITH ANHIDROSIS; NEUROPATHY, CONGENITAL SENSORY, WITH ANHIDROSIS. Identifiers: Orphanet 642, MedGen C0020074, MONDO:0009746, OMIM 256800.

Allele frequency attached by ClinVar (database versions not stated): gnomAD exomes below 0.00001; gnomAD 0.00001; TOPMed 0.00002.
gnomAD v4.1: 4 of 1,607,750 alleles (0.00025%); highest among the groups gnomAD compares: African/African-American, 0.0013%; no homozygotes.

Submissions (2):

GeneDx
Classification: Uncertain significance. Last evaluated: 2025-06-24. Review status: criteria provided, single submitter. Criteria: GeneDx Variant Classification Process June 2021. Collection method: clinical testing. Allele origin: germline. Affected: yes.
Comment: Not observed at significant frequency in large population cohorts (gnomAD); Has not been previously published as pathogenic or benign to our knowledge; In silico analysis is inconclusive as to whether the variant alters gene splicing. In the absence of RNA/functional studies, the actual effect of this sequence change is unknown.

Labcorp Genetics (formerly Invitae), Labcorp
Classification: Likely benign for Hereditary insensitivity to pain with anhidrosis. Last evaluated: 2025-02-04. Review status: criteria provided, single submitter. Criteria: Invitae Variant Classification Sherloc (09022015). Collection method: clinical testing. Allele origin: germline.